The following is an entry in ClinVar:

ClinVar aggregate classification (germline): Uncertain significance (1 of 4 stars; one submission).

Allele frequency attached by ClinVar (database versions not stated): gnomAD exomes below 0.00001; ExAC 0.00001.
gnomAD v4.1: 5 of 1,612,622 alleles (0.00031%); highest among the groups gnomAD compares: Middle Eastern, 0.017%; no homozygotes.

Submission:

Labcorp Genetics (formerly Invitae), Labcorp
Classification: Uncertain significance. Last evaluated: 2022-06-02. Review status: criteria provided, single submitter. Criteria: Invitae Variant Classification Sherloc (09022015). Collection method: clinical testing. Allele origin: germline.
Comment: This sequence change replaces asparagine, which is neutral and polar, with aspartic acid, which is acidic and polar, at codon 1539 of the NBAS protein (p.Asn1539Asp). This variant is present in population databases (rs758036276, gnomAD 0.003%). This variant has not been reported in the literature in individuals affected with NBAS-related conditions. Algorithms developed to predict the effect of missense changes on protein structure and function are either unavailable or do not agree on the potential impact of this missense change (SIFT: "Deleterious"; PolyPhen-2: "Benign"; Align-GVGD: "Class C15"). In summary, the available evidence is currently insufficient to determine the role of this variant in disease. Therefore, it has been classified as a Variant of Uncertain Significance.

NM_015909.4(NBAS):c.4615A>G (p.Asn1539Asp)

Gene: NBAS (NBAS subunit of NRZ tethering complex; minus strand). Cytogenetic location: 2p24.3.
Variant type: single nucleotide variant.
Coding change: c.4615A>G on transcript NM_015909.4 (MANE Select); coding-DNA position 4615, A replaced by G.
Protein change: p.Asn1539Asp; replaces asparagine 1539 with aspartic acid.
Molecular consequence: missense variant. On other transcripts: non-coding transcript variant (1).
Genome position (GRCh38, 1-based): chr2:15,309,215, T>C on the plus strand (A>G on the coding strand, the complement: NBAS is on the minus strand). VCF-style: chr2-15309215-T-C. GRCh37 (hg19) VCF-style: chr2-15449339-T-C.
Other names: short protein forms N1539D.
Identifiers: ClinVar variation 2095431 (VCV002095431.1), dbSNP rs758036276, ClinGen allele CA1535588.